The following is an entry in ClinVar:

ClinVar aggregate classification (germline): Uncertain significance. Review status: criteria provided, multiple submitters, no conflicts (2 of 4 stars). 2 submissions from 2 submitters: Uncertain significance (2). Last evaluated 2024-05-23.

Allele frequency attached by ClinVar (database versions not stated): ExAC 0.00001; gnomAD 0.00001; gnomAD exomes 0.00001; TOPMed 0.00001.
gnomAD v4.1: 22 of 1,614,022 alleles (0.0014%); highest among the groups gnomAD compares: Non-Finnish European, 0.0018%; no homozygotes.

Submissions (2):

Ambry Genetics
Classification: Uncertain significance. Last evaluated: 2024-05-23. Review status: criteria provided, single submitter. Criteria: Ambry Variant Classification Scheme 2023. Collection method: clinical testing. Allele origin: germline.

Labcorp Genetics (formerly Invitae), Labcorp
Classification: Uncertain significance. Last evaluated: 2022-12-06. Review status: criteria provided, single submitter. Criteria: Invitae Variant Classification Sherloc (09022015). Collection method: clinical testing. Allele origin: germline.
Comment: This sequence change replaces lysine, which is basic and polar, with asparagine, which is neutral and polar, at codon 1456 of the C5 protein (p.Lys1456Asn). This variant is present in population databases (rs775658749, gnomAD 0.002%). This variant has not been reported in the literature in individuals affected with C5-related conditions. Algorithms developed to predict the effect of missense changes on protein structure and function (SIFT, PolyPhen-2, Align-GVGD) all suggest that this variant is likely to be tolerated. In summary, the available evidence is currently insufficient to determine the role of this variant in disease. Therefore, it has been classified as a Variant of Uncertain Significance.

NM_001735.3(C5):c.4368A>C (p.Lys1456Asn)

Gene: C5 (complement C5; minus strand). Cytogenetic location: 9q33.2.
Variant type: single nucleotide variant.
Coding change: c.4368A>C on transcript NM_001735.3 (MANE Select); coding-DNA position 4368, A replaced by C.
Protein change: p.Lys1456Asn; replaces lysine 1456 with asparagine.
Molecular consequence: missense variant.
Genome position (GRCh38, 1-based): chr9:120,962,923, T>G on the plus strand (A>C on the coding strand, the complement: C5 is on the minus strand). VCF-style: chr9-120962923-T-G. GRCh37 (hg19) VCF-style: chr9-123725201-T-G.
Other names: c.4386A>C, p.Lys1462Asn (NM_001317163.2); short protein forms K1456N, K1462N.
Identifiers: ClinVar variation 2083369 (VCV002083369.5), dbSNP rs775658749, ClinGen allele CA5217192.